The following is an entry in ClinVar:

NM_000303.3(PMM2):c.157C>T (p.Gln53Ter)

Gene: PMM2 (phosphomannomutase 2; plus strand). Cytogenetic location: 16p13.2.
Variant type: single nucleotide variant.
Coding change: c.157C>T on transcript NM_000303.3 (MANE Select); coding-DNA position 157, C replaced by T.
Protein change: p.Gln53Ter; replaces glutamine 53 with a stop codon.
Molecular consequence: nonsense.
Genome position (GRCh38, 1-based): chr16:8,801,889, C>T. VCF-style: chr16-8801889-C-T. GRCh37 (hg19) VCF-style: chr16-8895746-C-T.
Other names: short protein forms Q53*.
Identifiers: ClinVar variation 379715 (VCV000379715.9), dbSNP rs1057520708, ClinGen allele CA16608298.

ClinVar aggregate classification (germline): Pathogenic/Likely pathogenic. Review status: criteria provided, multiple submitters, no conflicts (2 of 4 stars). 5 submissions from 5 submitters: Pathogenic (1); Likely pathogenic (4). Last evaluated 2025-11-04.

Conditions:
PMM2-congenital disorder of glycosylation. Also called: CARBOHYDRATE-DEFICIENT GLYCOPROTEIN SYNDROME, TYPE Ia; Congenital disorder of glycosylation, type Ia; CDG Ia; PMM2-CDG; JAEKEN SYNDROME; PHOSPHOMANNOMUTASE 2 DEFICIENCY. Identifiers: Orphanet 79318, MedGen C0349653, MONDO:0008907, OMIM 212065.

Allele frequency attached by ClinVar (database versions not stated): gnomAD exomes below 0.00001.
gnomAD v4.1: 3 of 1,608,126 alleles (0.00019%); highest among the groups gnomAD compares: Non-Finnish European, 0.00026%; no homozygotes.

Submissions (5):

Variantyx, Inc.
Classification: Likely pathogenic for PMM2-congenital disorder of glycosylation. Last evaluated: 2025-11-04. Review status: criteria provided, single submitter. Criteria: Variantyx Assertion Criteria 2022. Collection method: clinical testing. Allele origin: germline. Inheritance: Autosomal recessive inheritance. Affected: no.
Comment: This is a nonsense variant in the PMM2 gene (OMIM: 601785). Pathogenic variants in this gene have been associated with autosomal recessive congenital disorder of glycosylation, type Ia. This variant introduces a premature termination codon in exon 2 out of 8 and is expected to result in loss of function, which is a known disease mechanism for PMM2 in this disorder (PMID: 19862844) (PVS1). This variant is absent from control populations (PM2), and it has not been reported in individuals with PMM2-related disorders in the databases available for review. Based on the current evidence, this variant is classified as likely pathogenic for autosomal recessive congenital disorder of glycosylation, type Ia.

Natera, Inc.
Classification: Likely pathogenic for Congenital disorder of glycosylation type 1a. Last evaluated: 2025-06-02. Review status: criteria provided, single submitter. Criteria: Natera Variant Classification Schema (03/2026). Collection method: clinical testing. Allele origin: germline.
Comment: The c.157C>T variant in PMM2 is a nonsense variant predicted to introduce a stop codon at amino acid 53. This variant is expected to result in nonsense mediated decay, truncation, or a dysfunctional protein product. This variant is rare in the general population with a frequency below the threshold expected for the associated phenotype(s). Given the available evidence, this variant is classified as Likely Pathogenic.

GeneDx
Classification: Likely pathogenic. Last evaluated: 2025-03-05. Review status: criteria provided, single submitter. Criteria: GeneDx Variant Classification Process June 2021. Collection method: clinical testing. Allele origin: germline. Affected: yes.
Comment: Nonsense variant predicted to result in protein truncation or nonsense mediated decay in a gene for which loss of function is a known mechanism of disease; Not observed at significant frequency in large population cohorts (gnomAD); Has not been previously published in a patient with a PMM2-related disorder to our knowledge; This variant is associated with the following publications: (PMID: 39191491)

Baylor Genetics
Classification: Likely pathogenic for PMM2-congenital disorder of glycosylation. Last evaluated: 2024-02-02. Review status: criteria provided, single submitter. Criteria: ACMG Guidelines, 2015. Collection method: clinical testing. Allele origin: unknown.

Labcorp Genetics (formerly Invitae), Labcorp
Classification: Pathogenic for PMM2-congenital disorder of glycosylation. Last evaluated: 2023-09-08. Review status: criteria provided, single submitter. Criteria: Invitae Variant Classification Sherloc (09022015). Collection method: clinical testing. Allele origin: germline.
Comment: Algorithms developed to predict the effect of sequence changes on RNA splicing suggest that this variant may create or strengthen a splice site. For these reasons, this variant has been classified as Pathogenic. ClinVar contains an entry for this variant (Variation ID: 379715). This variant has not been reported in the literature in individuals affected with PMM2-related conditions. This variant is not present in population databases (gnomAD no frequency). This sequence change creates a premature translational stop signal (p.Gln53*) in the PMM2 gene. It is expected to result in an absent or disrupted protein product. Loss-of-function variants in PMM2 are known to be pathogenic (PMID: 19862844).

Literature cited by the submitters: PubMed 19862844 (cited by Variantyx, Inc. and Labcorp Genetics (formerly Invitae), Labcorp).